The following is an entry in ClinVar:

ClinVar aggregate classification (germline): Uncertain significance (1 of 4 stars; one submission).

Conditions:
Hereditary cancer-predisposing syndrome. Also called: Neoplastic Syndromes, Hereditary; Tumor predisposition; Hereditary neoplastic syndrome; Hereditary Cancer Syndrome. Identifiers: Orphanet 140162, MedGen C0027672, MeSH D009386, MONDO:0015356.

Submission:

Ambry Genetics
Classification: Uncertain significance for Hereditary cancer-predisposing syndrome. Last evaluated: 2026-06-24. Review status: criteria provided, single submitter. Criteria: Ambry Variant Classification Scheme 2023. Collection method: clinical testing. Allele origin: germline.
Comment: The p.P77S variant (also known as c.229C>T), located in coding exon 2 of the POLD1 gene, results from a C to T substitution at nucleotide position 229. The proline at codon 77 is replaced by serine, an amino acid with similar properties. This amino acid position is conserved. In addition, this alteration is predicted to be tolerated by in silico analysis. Based on the available evidence, the clinical significance of this variant remains unclear.

NM_002691.4(POLD1):c.229C>T (p.Pro77Ser)

Gene: POLD1 (DNA polymerase delta 1, catalytic subunit; plus strand). Cytogenetic location: 19q13.33.
Variant type: single nucleotide variant.
Coding change: c.229C>T on transcript NM_002691.4 (MANE Select); coding-DNA position 229, C replaced by T.
Protein change: p.Pro77Ser; replaces proline 77 with serine.
Molecular consequence: missense variant. On other transcripts: non-coding transcript variant (1).
Genome position (GRCh38, 1-based): chr19:50,399,397, C>T. VCF-style: chr19-50399397-C-T. GRCh37 (hg19) VCF-style: chr19-50902654-C-T.
Other names: c.229C>T, p.Pro77Ser (NM_001256849.1, NM_001308632.1, NM_001438210.1 and 3 more transcripts); short protein forms P77S.
Identifiers: ClinVar variation 5026977 (VCV005026977.1).